The following is an entry in ClinVar:

ClinVar aggregate classification (germline): Likely pathogenic. Review status: criteria provided, single submitter (1 of 4 stars). 2 submissions from 2 submitters: Likely pathogenic (1). 1 of the submissions does not count toward it. Last evaluated 2024-03-24.

Conditions:
Congenital myasthenic syndrome 3A. Also called: Myasthenic syndrome, congenital, 3a, slow-channel. Identifiers: Orphanet 590, MedGen C4225372, MONDO:0014583, OMIM 616321.
Lethal multiple pterygium syndrome (LMPS). Identifiers: Orphanet 33108, MedGen C1854678, MONDO:0009668, OMIM 253290.

Submissions (2):

Labcorp Genetics (formerly Invitae), Labcorp
Classification: Likely pathogenic for Lethal multiple pterygium syndrome. Last evaluated: 2024-03-24. Review status: criteria provided, single submitter. Criteria: Invitae Variant Classification Sherloc (09022015). Collection method: clinical testing. Allele origin: germline.
Comment: This sequence change replaces serine, which is neutral and polar, with phenylalanine, which is neutral and non-polar, at codon 289 of the CHRND protein (p.Ser289Phe). This variant is not present in population databases (gnomAD no frequency). This missense change has been observed in individual(s) with congenital myasthenic syndrome (PMID: 11782989). In at least one individual the variant was observed to be de novo. This variant is also known as S268F. ClinVar contains an entry for this variant (Variation ID: 18363). Advanced modeling of protein sequence and biophysical properties (such as structural, functional, and spatial information, amino acid conservation, physicochemical variation, residue mobility, and thermodynamic stability) performed at Invitae indicates that this missense variant is not expected to disrupt CHRND protein function with a negative predictive value of 80%. Experimental studies have shown that this missense change affects CHRND function (PMID: 11782989). In summary, the currently available evidence indicates that the variant is pathogenic, but additional data are needed to prove that conclusively. Therefore, this variant has been classified as Likely Pathogenic.

OMIM
Classification: Pathogenic for MYASTHENIC SYNDROME, CONGENITAL, 3A, SLOW-CHANNEL (1 patient). Last evaluated: 2002-01-01. Review status: no assertion criteria provided. Collection method: literature only. Allele origin: germline. Not counted in ClinVar's aggregate classification.

Literature cited by the submitters: PubMed 11782989 (cited by Labcorp Genetics (formerly Invitae), Labcorp and OMIM).

NM_000751.3(CHRND):c.866C>T (p.Ser289Phe)

Gene: CHRND (cholinergic receptor nicotinic delta subunit; plus strand). Cytogenetic location: 2q37.1.
Variant type: single nucleotide variant.
Coding change: c.866C>T on transcript NM_000751.3 (MANE Select); coding-DNA position 866, C replaced by T.
Protein change: p.Ser289Phe; replaces serine 289 with phenylalanine.
Molecular consequence: missense variant.
Genome position (GRCh38, 1-based): chr2:232,531,397, C>T. VCF-style: chr2-232531397-C-T. GRCh37 (hg19) VCF-style: chr2-233396107-C-T.
Other names: S268F; c.821C>T, p.Ser274Phe (NM_001256657.2); c.284C>T, p.Ser95Phe (NM_001311195.2); c.563C>T, p.Ser188Phe (NM_001311196.2); short protein forms S289F, S188F, S274F, S95F.
Identifiers: ClinVar variation 18363 (VCV000018363.10), dbSNP rs121909502, ClinGen allele CA128062.